The following is an entry in ClinVar:

ClinVar aggregate classification (germline): Benign/Likely benign. Review status: criteria provided, multiple submitters, no conflicts (2 of 4 stars). 4 submissions from 4 submitters: Benign (1); Likely benign (2). 1 of the submissions does not count toward it. Last evaluated 2025-09-16.

Conditions:
EXT2-related disorder. Also called: EXT2-related condition.
Exostoses, multiple, type 2 (EXT2). Also called: EXOSTOSES, MULTIPLE, TYPE II; Hereditary Multiple Osteochondromatosis, Type II. Identifiers: Orphanet 321, MedGen C1851413, MONDO:0007586, OMIM 133701.

Allele frequency attached by ClinVar (database versions not stated): 1000 Genomes Project 30x 0.00016; 1000 Genomes Project 0.00020; gnomAD 0.00029; TOPMed 0.00037; ESP Exome Variant Server 0.00054.
gnomAD v4.1: 267 of 1,613,540 alleles (0.017%); highest among the groups gnomAD compares: East Asian, 0.12%; 1 homozygote.

Submissions (4):

Labcorp Genetics (formerly Invitae), Labcorp
Classification: Benign for Exostoses, multiple, type 2. Last evaluated: 2025-09-16. Review status: criteria provided, single submitter. Criteria: Invitae Variant Classification Sherloc (09022015). Collection method: clinical testing. Allele origin: germline.

Blueprint Genetics
Classification: Likely benign. Last evaluated: 2024-11-05. Review status: criteria provided, single submitter. Criteria: ACMG Guidelines, 2015. Collection method: clinical testing. Allele origin: germline.

Illumina Laboratory Services, Illumina
Classification: Likely benign for Exostoses, multiple, type 2. Last evaluated: 2017-04-27. Review status: criteria provided, single submitter. Criteria: ICSL Variant Classification Criteria 13 December 2019. Collection method: clinical testing. Allele origin: germline.
Comment: This variant was observed as part of a predisposition screen in an ostensibly healthy population. A literature search was performed for the gene, cDNA change, and amino acid change (where applicable). Publications were found based on this search. The evidence from the literature, in combination with allele frequency data from public databases where available, was sufficient to determine this variant is unlikely to cause disease. Therefore, this variant is classified as likely benign.

PreventionGenetics, part of Exact Sciences
Classification: Likely benign for EXT2-related condition. Last evaluated: 2020-02-12. Review status: no assertion criteria provided. Collection method: clinical testing. Allele origin: germline. Not counted in ClinVar's aggregate classification.
Comment: This variant is classified as likely benign based on ACMG/AMP sequence variant interpretation guidelines (Richards et al. 2015 PMID: 25741868, with internal and published modifications).

Literature cited by the submitters: PubMed 18976157 (cited by Illumina Laboratory Services, Illumina).

NM_207122.2(EXT2):c.1806+11G>A

Gene: EXT2 (exostosin glycosyltransferase 2; plus strand). Cytogenetic location: 11p11.2.
Variant type: single nucleotide variant.
Coding change: c.1806+11G>A on transcript NM_207122.2 (MANE Select); 11 bases into the intron after coding-DNA position 1806, G replaced by A.
Molecular consequence: intron variant.
Genome position (GRCh38, 1-based): chr11:44,232,507, G>A. VCF-style: chr11-44232507-G-A. GRCh37 (hg19) VCF-style: chr11-44254057-G-A.
Other names: c.1806+11G>A (NM_001389630.1, NM_001389628.1); c.1836+11G>A (NM_001178083.3); c.1905+11G>A (NM_000401.3).
Identifiers: ClinVar variation 304592 (VCV000304592.15), dbSNP rs372517964, ClinGen allele CA5955356.